The following is an entry in ClinVar:

ClinVar aggregate classification (germline): Uncertain significance. Review status: criteria provided, multiple submitters, no conflicts (2 of 4 stars). 2 submissions from 2 submitters: Uncertain significance (2). Last evaluated 2025-10-17.

Conditions:
Dyskeratosis congenita. Identifiers: Orphanet 1775, MedGen C0265965, MONDO:0015780.

Allele frequency attached by ClinVar (database versions not stated): gnomAD exomes below 0.00001; gnomAD 0.00001; TOPMed 0.00005.

Submissions (2):

Labcorp Genetics (formerly Invitae), Labcorp
Classification: Uncertain significance for Dyskeratosis congenita. Last evaluated: 2025-10-17. Review status: criteria provided, single submitter. Criteria: Invitae Variant Classification Sherloc (09022015). Collection method: clinical testing. Allele origin: germline.
Comment: This sequence change replaces serine, which is neutral and polar, with proline, which is neutral and non-polar, at codon 130 of the TINF2 protein (p.Ser130Pro). The frequency data for this variant in the population databases is considered unreliable, as metrics indicate poor data quality at this position in the gnomAD database. This variant has not been reported in the literature in individuals affected with TINF2-related conditions. ClinVar contains an entry for this variant (Variation ID: 1354426). An algorithm developed to predict the effect of missense changes on protein structure and function (PolyPhen-2) suggests that this variant is likely to be tolerated. In summary, the available evidence is currently insufficient to determine the role of this variant in disease. Therefore, it has been classified as a Variant of Uncertain Significance.

Blueprint Genetics
Classification: Uncertain significance. Last evaluated: 2018-07-05. Review status: criteria provided, single submitter. Criteria: ACMG Guidelines, 2015. Collection method: clinical testing. Allele origin: germline.

NM_001099274.3(TINF2):c.388T>C (p.Ser130Pro)

Gene: TINF2 (TERF1 interacting nuclear factor 2; minus strand). Cytogenetic location: 14q12.
Variant type: single nucleotide variant.
Coding change: c.388T>C on transcript NM_001099274.3 (MANE Select); coding-DNA position 388, T replaced by C.
Protein change: p.Ser130Pro; replaces serine 130 with proline.
Molecular consequence: missense variant.
Genome position (GRCh38, 1-based): chr14:24,241,686, A>G on the plus strand (T>C on the coding strand, the complement: TINF2 is on the minus strand). VCF-style: chr14-24241686-A-G. GRCh37 (hg19) VCF-style: chr14-24710892-A-G.
Other names: c.283T>C, p.Ser95Pro (NM_001363668.2); c.388T>C, p.Ser130Pro (NM_012461.3); short protein forms S95P, S130P.
Identifiers: ClinVar variation 1354426 (VCV001354426.9), dbSNP rs959871602, ClinGen allele CA257883312.